The following is an entry in ClinVar:

NM_000400.4(ERCC2):c.1842C>T (p.Tyr614=)

Gene: ERCC2 (ERCC excision repair 2, TFIIH core complex helicase subunit; minus strand). Cytogenetic location: 19q13.32.
Variant type: single nucleotide variant.
Coding change: c.1842C>T on transcript NM_000400.4 (MANE Select); coding-DNA position 1842, C replaced by T.
Protein change: p.Tyr614=; no amino-acid change (tyrosine 614 retained).
Molecular consequence: synonymous variant.
Genome position (GRCh38, 1-based): chr19:45,352,806, G>A on the plus strand (C>T on the coding strand, the complement: ERCC2 is on the minus strand). VCF-style: chr19-45352806-G-A. GRCh37 (hg19) VCF-style: chr19-45856064-G-A.
Identifiers: ClinVar variation 755625 (VCV000755625.16), dbSNP rs148319713, ClinGen allele CA9513026.
Genomic context (GRCh38, chr19:45,352,806, plus strand): 5'-CTTGAGAATGCGGCTCTGTGTGTAGACGTAGGGGACGCCAAACATGATGACGGCCCGCCC[G>A]TAGTGGTGCACTGGTGGGCAGAGGAGAGGGGGCGAGGGGGGTTACAAGTGTGGCTGGTGG-3'
Protein context (NP_000391.1, residues 604-624): VSEGIDFVHH[Tyr614=]GRAVIMFGVP

ClinVar aggregate classification (germline): Benign/Likely benign. Review status: criteria provided, multiple submitters, no conflicts (2 of 4 stars). 4 submissions from 4 submitters: Benign (1); Likely benign (2). 1 of the submissions does not count toward it. Last evaluated 2026-01-25.

Conditions:
Inborn genetic diseases. Identifiers: MedGen C0950123, MeSH D030342.
ERCC2-related disorder. Also called: ERCC2-related disorders; ERCC2-related conditions; ERCC2-related condition. Identifiers: MedGen CN239291.
Xeroderma pigmentosum (XP). Identifiers: Orphanet 910, MedGen C0043346, MONDO:0019600.

Allele frequency attached by ClinVar (database versions not stated): ESP Exome Variant Server 0.00015; 1000 Genomes Project 30x 0.00016; 1000 Genomes Project 0.00020; gnomAD 0.00023 and 0.00025; ExAC 0.00025; gnomAD exomes 0.00028; TOPMed 0.00038.
gnomAD v4.1: 144 of 1,613,652 alleles (0.0089%); highest among the groups gnomAD compares: East Asian, 0.074%; no homozygotes.

Submissions (4):

Labcorp Genetics (formerly Invitae), Labcorp
Classification: Benign. Last evaluated: 2026-01-25. Review status: criteria provided, single submitter. Criteria: Invitae Variant Classification Sherloc (09022015). Collection method: clinical testing. Allele origin: germline.

Ambry Genetics
Classification: Likely benign for Inborn genetic diseases. Last evaluated: 2022-03-04. Review status: criteria provided, single submitter. Criteria: Ambry Variant Classification Scheme 2023. Collection method: clinical testing. Allele origin: germline.

Sema4
Classification: Likely benign for Xeroderma pigmentosum. Last evaluated: 2021-12-07. Review status: criteria provided, single submitter. Criteria: Sema4 Curation Guidelines. Collection method: curation. Allele origin: germline.

PreventionGenetics, part of Exact Sciences
Classification: Likely benign for ERCC2-related condition. Last evaluated: 2019-11-26. Review status: no assertion criteria provided. Collection method: clinical testing. Allele origin: germline. Not counted in ClinVar's aggregate classification.
Comment: This variant is classified as likely benign based on ACMG/AMP sequence variant interpretation guidelines (Richards et al. 2015 PMID: 25741868, with internal and published modifications).